The following is an entry in ClinVar:

NM_003859.3(DPM1):c.409G>A (p.Glu137Lys)

Genes: ADNP-AS1 (ADNP antisense RNA 1; plus strand), DPM1 (dolichyl-phosphate mannosyltransferase subunit 1, catalytic; minus strand). Cytogenetic location: 20q13.13.
Variant type: single nucleotide variant.
Coding change: c.409G>A on transcript NM_003859.3 (MANE Select); coding-DNA position 409, G replaced by A.
Protein change: p.Glu137Lys; replaces glutamic acid 137 with lysine.
Molecular consequence: missense variant. On other transcripts: non-coding transcript variant (1).
Genome position (GRCh38, 1-based): chr20:50,942,116, C>T on the plus strand (G>A on the coding strand, the complement: DPM1 is on the minus strand). VCF-style: chr20-50942116-C-T. GRCh37 (hg19) VCF-style: chr20-49558653-C-T.
Other names: c.409G>A, p.Glu137Lys (NM_001317034.1, NM_001317035.1, NM_001317036.1); short protein forms E137K.
Identifiers: ClinVar variation 2143210 (VCV002143210.1), dbSNP rs753780084, ClinGen allele CA9909107.

ClinVar aggregate classification (germline): Uncertain significance (1 of 4 stars; one submission).

Conditions:
Congenital disorder of glycosylation type 1E (CDG1E). Also called: CONGENITAL DISORDER OF GLYCOSYLATION, TYPE Ie; CDG Ie. Identifiers: Orphanet 79322, MedGen C1837396, MONDO:0012123, OMIM 608799.

Allele frequency attached by ClinVar (database versions not stated): gnomAD exomes below 0.00001; ExAC 0.00001.
gnomAD v4.1: 1 of 1,613,786 alleles (0.000062%); highest among the groups gnomAD compares: Non-Finnish European, 0.000085%; no homozygotes.

Submission:

Labcorp Genetics (formerly Invitae), Labcorp
Classification: Uncertain significance for Congenital disorder of glycosylation type 1E. Last evaluated: 2022-05-31. Review status: criteria provided, single submitter. Criteria: Invitae Variant Classification Sherloc (09022015). Collection method: clinical testing. Allele origin: germline.
Comment: This sequence change replaces glutamic acid, which is acidic and polar, with lysine, which is basic and polar, at codon 137 of the DPM1 protein (p.Glu137Lys). This variant is present in population databases (rs753780084, gnomAD 0.0009%). This variant has not been reported in the literature in individuals affected with DPM1-related conditions. Algorithms developed to predict the effect of missense changes on protein structure and function (SIFT, PolyPhen-2, Align-GVGD) all suggest that this variant is likely to be tolerated. In summary, the available evidence is currently insufficient to determine the role of this variant in disease. Therefore, it has been classified as a Variant of Uncertain Significance.